The following is an entry in ClinVar:

NM_001367624.2(ZNF469):c.2297G>A (p.Arg766Gln)

Gene: ZNF469 (zinc finger protein 469; plus strand). Cytogenetic location: 16q24.2.
Variant type: single nucleotide variant.
Coding change: c.2297G>A on transcript NM_001367624.2 (MANE Select); coding-DNA position 2297, G replaced by A.
Protein change: p.Arg766Gln; replaces arginine 766 with glutamine.
Molecular consequence: missense variant.
Genome position (GRCh38, 1-based): chr16:88,429,767, G>A. VCF-style: chr16-88429767-G-A. GRCh37 (hg19) VCF-style: chr16-88496175-G-A.
Other names: NM_001127464.1:c.2297G>A; NM_001127464.2:c.2297G>A; p.Arg766Gln; short protein forms R766Q.
Identifiers: ClinVar variation 286776 (VCV000286776.65), dbSNP rs144492145, ClinGen allele CA8224758.
Genomic context (GRCh38, chr16:88,429,767, plus strand): 5'-TCCTGGCCCACCGGCAGTTCTGTGGCCTGCTCCTGGCCAGGGCCAAGGATGGCCACCAGC[G>A]GTCTCCAGGCCCCCCTGGGCTCCCCTCGCCCCCCGCTGCCCCCAGAGTCCCTGCCGACGC-3'
Protein context (NP_001354553.1, residues 756-776): LLARAKDGHQ[Arg766Gln]SPGPPGLPSP

ClinVar aggregate classification (germline): Conflicting classifications of pathogenicity. Review status: criteria provided, conflicting classifications (1 of 4 stars). 13 submissions from 13 submitters: Uncertain significance (3); Benign (1); Likely benign (6). 3 of the submissions do not count toward it. Last evaluated 2026-03-04.

Conditions:
ZNF469-related disorder. Also called: ZNF469-related condition.
Cardiovascular phenotype. Identifiers: MedGen CN230736.
Ehlers-Danlos syndrome (EDS). Identifiers: Orphanet 98249, MedGen C0013720, MONDO:0020066.
Brittle cornea syndrome 1 (BCS1). Also called: Corneal fragility keratoglobus, blue sclerae AND joint hypermobility; DYSGENESIS MESODERMALIS CORNEAE ET SCLERAE; FRAGILITAS OCULI WITH JOINT HYPEREXTENSIBILITY; CORNEAL FRAGILITY, KERATOGLOBUS, BLUE SCLERAE, JOINT HYPEREXTENSIBILITY; EDS6B. Identifiers: Orphanet 90354, MedGen C0268344, MONDO:0024543, OMIM 229200.

Allele frequency attached by ClinVar (database versions not stated): 1000 Genomes Project 30x 0.00062; ExAC 0.00068; gnomAD 0.00111; gnomAD exomes 0.00122 and 0.00157; TOPMed 0.00127.
gnomAD v4.1: 2,337 of 1,544,706 alleles (0.15%); highest among the groups gnomAD compares: Middle Eastern, 0.25%; 3 homozygotes.

Submissions (13):

Women's Health and Genetics/Laboratory Corporation of America, LabCorp
Classification: Likely benign. Last evaluated: 2026-03-04. Review status: criteria provided, single submitter. Criteria: LabCorp Variant Classification Summary - May 2015. Collection method: clinical testing. Allele origin: germline.
Comment: Variant summary: ZNF469 c.2297G>A (p.Arg766Gln) results in a conservative amino acid change in the encoded protein sequence. Algorithms developed to predict the effect of missense changes on protein structure and function all suggest that this variant is likely to be tolerated. The variant allele was found at a frequency of 0.0015 in 1544706 control chromosomes, predominantly at a frequency of 0.0018 within the Non-Finnish European subpopulation in the gnomAD database (v4), including 2 homozygotes. This frequency is not significantly higher than estimated for disease-causing variants in ZNF469, however approaches this threshold suggesting the variant could be benign. To our knowledge, no occurrence of c.2297G>A in individuals affected with ZNF469-related conditions and no experimental evidence demonstrating its impact on protein function have been reported. ClinVar contains an entry for this variant (Variation ID: 286776). Based on the evidence outlined above, the variant was classified as likely benign.

Labcorp Genetics (formerly Invitae), Labcorp
Classification: Benign. Last evaluated: 2026-02-02. Review status: criteria provided, single submitter. Criteria: Invitae Variant Classification Sherloc (09022015). Collection method: clinical testing. Allele origin: germline.

CeGaT Center for Human Genetics Tuebingen
Classification: Likely benign. Last evaluated: 2025-09-01. Review status: criteria provided, single submitter. Criteria: CeGaT Center For Human Genetics Tuebingen Variant Classification Criteria Version 2. Collection method: clinical testing. Allele origin: germline. Affected: yes. Observed: 13 variant alleles.
Comment: ZNF469: BP4, BS2

Blueprint Genetics
Classification: Likely benign. Last evaluated: 2024-11-25. Review status: criteria provided, single submitter. Criteria: ACMG Guidelines, 2015. Collection method: clinical testing. Allele origin: germline.

Mayo Clinic Laboratories, Mayo Clinic
Classification: Likely benign. Last evaluated: 2024-11-25. Review status: criteria provided, single submitter. Criteria: ACMG Guidelines, 2015. Collection method: clinical testing. Allele origin: germline. Observed: 10 variant alleles.
Comment: BS1, BP4

Genome Diagnostics Laboratory, The Hospital for Sick Children
Classification: Likely benign for Ehlers-Danlos syndrome. Last evaluated: 2022-03-29. Review status: criteria provided, single submitter. Criteria: ACMG Guidelines, 2015. Collection method: clinical testing. Allele origin: germline.

Department of Pathology and Laboratory Medicine, Sinai Health System
Classification: Uncertain significance for Brittle cornea syndrome 1. Last evaluated: 2022-01-25. Review status: criteria provided, single submitter. Criteria: ACMG Guidelines, 2015. Collection method: research. Allele origin: germline.

Ambry Genetics
Classification: Likely benign for Cardiovascular phenotype. Last evaluated: 2019-10-21. Review status: criteria provided, single submitter. Criteria: Ambry Variant Classification Scheme 2023. Collection method: clinical testing. Allele origin: germline.

GeneDx
Classification: Uncertain significance. Last evaluated: 2016-12-12. Review status: criteria provided, single submitter. Criteria: GeneDx Variant Classification (06012015). Collection method: clinical testing. Allele origin: germline. Affected: yes.
Comment: A variant of uncertain significance has been identified in the ZNF469 gene. The R766Q variant was not observed in approximately 2,200 individuals of European andAfrican American ancestry in the NHLBI Exome Sequencing Project (average read depth: 5.0), and was not observedwith any significant frequency in the Exome Aggregation Consortium (ExAC). The R766Q variant is asemi-conservative amino acid substitution, which may impact secondary protein structure as these residues differ insome properties. However, this substitution occurs at a position that is not conserved across species, and in silicoanalysis predicts this variant likely does not alter the protein structure/function.

Eurofins Ntd Llc (ga)
Classification: Uncertain significance. Last evaluated: 2016-04-04. Review status: criteria provided, single submitter. Criteria: EGL Classification Definitions 2015. Collection method: clinical testing. Allele origin: germline. Observed: 1 variant allele, 1 heterozygote.

PreventionGenetics, part of Exact Sciences
Classification: Likely benign for ZNF469-related condition. Last evaluated: 2022-12-20. Review status: no assertion criteria provided. Collection method: clinical testing. Allele origin: germline. Not counted in ClinVar's aggregate classification.
Comment: This variant is classified as likely benign based on ACMG/AMP sequence variant interpretation guidelines (Richards et al. 2015 PMID: 25741868, with internal and published modifications).

Clinical Genetics DNA and cytogenetics Diagnostics Lab, Erasmus MC, Erasmus Medical Center
Classification: Likely benign. Review status: no assertion criteria provided. Collection method: clinical testing. Allele origin: germline. Affected: yes. Study: VKGL Data-share Consensus. Not counted in ClinVar's aggregate classification.

Genome Diagnostics Laboratory, Amsterdam University Medical Center
Classification: Likely benign. Review status: no assertion criteria provided. Collection method: clinical testing. Allele origin: germline. Affected: yes. Study: VKGL Data-share Consensus. Not counted in ClinVar's aggregate classification.

Literature cited by the submitters: PubMed 24895405 (cited by Mayo Clinic Laboratories, Mayo Clinic and Ambry Genetics).